The following is an entry in ClinVar:

ClinVar aggregate classification (germline): Likely benign (1 of 4 stars; one submission).

Allele frequency attached by ClinVar (database versions not stated): 1000 Genomes Project 0.00319; gnomAD 0.00338 and 0.00371; 1000 Genomes Project 30x 0.00344; TOPMed 0.00416.
gnomAD v4.1: 729 of 605,484 alleles (0.12%); highest among the groups gnomAD compares: African/African-American, 1.1%; 5 homozygotes.

Submission:

GeneDx
Classification: Likely benign. Last evaluated: 2018-06-14. Review status: criteria provided, single submitter. Criteria: GeneDx Variant Classification (06012015). Collection method: clinical testing. Allele origin: germline. Affected: yes.
Comment: This variant is considered likely benign or benign based on one or more of the following criteria: it is a conservative change, it occurs at a poorly conserved position in the protein, it is predicted to be benign by multiple in silico algorithms, and/or has population frequency not consistent with disease.

NM_001083962.2(TCF4):c.1070-202T>A

Gene: TCF4 (transcription factor 4; minus strand). Cytogenetic location: 18q21.2.
Variant type: single nucleotide variant.
Coding change: c.1070-202T>A on transcript NM_001083962.2 (MANE Select); 202 bases into the intron before coding-DNA position 1070, T replaced by A.
Molecular consequence: intron variant.
Genome position (GRCh38, 1-based): chr18:55,257,593, A>T on the plus strand (T>A on the coding strand, the complement: TCF4 is on the minus strand). VCF-style: chr18-55257593-A-T. GRCh37 (hg19) VCF-style: chr18-52924824-A-T.
Other names: c.1376-202T>A (NM_001243226.3); c.995-202T>A (NM_001369584.1, NM_001369576.1, NM_001369585.1 and 3 more transcripts); c.998-205T>A (NM_001369577.1, NM_001369579.1, NM_001369580.1); c.998-202T>A (NM_001369582.1, NM_001243227.2, NM_001369583.1 and 5 more transcripts); c.1001-202T>A (NM_001369586.1); c.1070-202T>A (NM_001369571.1, NM_001369567.1, NM_001369572.1 and 2 more transcripts); c.1088-202T>A (NM_001243228.2); c.1064-205T>A (NM_001243230.2); and 8 more.
Identifiers: ClinVar variation 678889 (VCV000678889.1), dbSNP rs112454654, ClinGen allele CA15922990.
Genomic context (GRCh38, chr18:55,257,593, plus strand): 5'-ATATAAGAATTTTGGGACAAGGAAAACATTTTAAATGTAAAATATGTAGACTTTACATAG[A>T]CTCACAATTCCCCCAGGCTGGCTGTCTCCTAAAAGAGAACATTTAATTGATTCTGAATTT-3'